The following continues an entry in ClinVar:

NM_000051.4(ATM):c.7174C>T (p.Arg2392Trp)

ClinVar aggregate classification (germline): Conflicting classifications of pathogenicity. Uncertain significance (12); Likely benign (1).

Submissions 10 to 15 of 15:

Baylor Genetics
Classification: Uncertain significance for Familial cancer of breast. Last evaluated: 2024-03-12. Review status: criteria provided, single submitter. Criteria: ACMG Guidelines, 2015. Collection method: clinical testing. Allele origin: unknown.

Quest Diagnostics Nichols Institute San Juan Capistrano
Classification: Uncertain significance. Last evaluated: 2023-01-09. Review status: criteria provided, single submitter. Criteria: Quest Diagnostics criteria. Collection method: clinical testing. Allele origin: unknown.

Sema4
Classification: Uncertain significance for Hereditary cancer-predisposing syndrome. Last evaluated: 2021-09-12. Review status: criteria provided, single submitter. Criteria: Sema4 Curation Guidelines. Collection method: curation. Allele origin: germline.
Comment: The ATM c.7174C>T (p. R2392W) variant has been reported in individuals with breast cancer undergoing hereditary cancer testing (PMID: 26787654, 31921681, 23555315). This variant was observed in 18/24964 chromosomes in the African/African American population according to the Genome Aggregation Database (PMID: 32461654). This variant has been reported in ClinVar (Variation ID 186868). This amino acid position is highly conserved in available vertebrate species. Functional studies have not been performed, and in silico predictions of the variant's effect on protein function are inconclusive. The overall evidence is insufficient to meet ACMG/AMP criteria for classifying it as benign or pathogenic. In summary, the clinical significance of this variant is currently uncertain.

Genetic Services Laboratory, University of Chicago
Classification: Uncertain significance. Last evaluated: 2019-11-07. Review status: criteria provided, single submitter. Criteria: ACMG Guidelines, 2015. Collection method: clinical testing. Allele origin: germline. Affected: no.

Natera, Inc.
Classification: Uncertain significance for Ataxia-telangiectasia. Last evaluated: 2020-09-16. Review status: no assertion criteria provided. Collection method: clinical testing. Allele origin: germline. Not counted in ClinVar's aggregate classification.

Department of Pathology and Laboratory Medicine, Sinai Health System
Classification: Uncertain significance for Malignant tumor of breast. Review status: no assertion criteria provided. Collection method: clinical testing. Allele origin: unknown. Affected: yes. Observed: 1 variant allele. Study: The Canadian Open Genetics Repository (COGR). Not counted in ClinVar's aggregate classification.
Comment: The ATM p.Arg2392Trp variant was identified in the literature however the frequency of this variant in an affected population was not provided. The variant was also identified in the following databases: dbSNP (ID: rs149827260) as "With Uncertain significance allele," and ClinVar/Clinvitae (3x, uncertain significance). The variant was not identified in Cosmic, MutDB, LOVD 3.0, or the ATM-LOVD database. The variant was identified in control databases in 19 of 277088 chromosomes at a frequency of 0.00007 increasing the likelihood that this may be a low frequency benign variant in certain populations of origin (Genome Aggregation Consortium Feb 27, 2017). Of note, the variant was found in the African population in 17 of 24032 chromosomes at a frequency of 0.0007. The p.Arg2392 residue is conserved across mammals and other organisms, and computational analyses (PolyPhen-2, SIFT, AlignGVGD, BLOSUM, MutationTaster) suggest that the variant may impact the protein; however, this information is not predictive enough to assume pathogenicity. The variant occurs outside of the splicing consensus sequence and 1 of 5 in silico or computational prediction software programs (SpliceSiteFinder, MaxEntScan, NNSPLICE, GeneSplicer, HumanSpliceFinder) predict a greater than 10% difference in splicing; this is also not very predictive of pathogenicity. In summary, based on the above information the clinical significance of this variant cannot be determined with certainty at this time. This variant is classified as a variant of uncertain significance.

Literature cited by the submitters: PubMed 31921681 (cited by 6 submitters); PubMed 33646313 (cited by 6 submitters); PubMed 23555315 (cited by 6 submitters); PubMed 26787654 (cited by 4 submitters); PubMed 33850299 (cited by 3 submitters); PubMed 34262154 (cited by 3 submitters); PubMed 32832836 (cited by 3 submitters); PubMed 32885271 (cited by 3 submitters); PubMed 25085752 (cited by Myriad Genetics, Inc.).